The following is an entry in ClinVar:

ClinVar aggregate classification (germline): Uncertain significance (1 of 4 stars; one submission).

Conditions:
Leber congenital amaurosis 3 (LCA3). Also called: SPATA7-Related Retinitis Pigmentosa. Identifiers: MedGen C1858677, MONDO:0011415, OMIM 604232.

Allele frequency attached by ClinVar (database versions not stated): TOPMed below 0.00001.

Submission:

Labcorp Genetics (formerly Invitae), Labcorp
Classification: Uncertain significance for Leber congenital amaurosis 3. Last evaluated: 2024-02-24. Review status: criteria provided, single submitter. Criteria: Invitae Variant Classification Sherloc (09022015). Collection method: clinical testing. Allele origin: germline.
Comment: This sequence change falls in intron 9 of the SPATA7 gene. It does not directly change the encoded amino acid sequence of the SPATA7 protein. It affects a nucleotide within the consensus splice site. This variant is not present in population databases (gnomAD no frequency). This variant has not been reported in the literature in individuals affected with SPATA7-related conditions. ClinVar contains an entry for this variant (Variation ID: 2070855). Variants that disrupt the consensus splice site are a relatively common cause of aberrant splicing (PMID: 17576681, 9536098). Algorithms developed to predict the effect of sequence changes on RNA splicing suggest that this variant is not likely to affect RNA splicing. In summary, the available evidence is currently insufficient to determine the role of this variant in disease. Therefore, it has been classified as a Variant of Uncertain Significance.

Literature cited by the submitters: PubMed 17576681; PubMed 9536098.

NM_018418.5(SPATA7):c.1082+6A>C

Gene: SPATA7 (spermatogenesis associated 7; plus strand). Cytogenetic location: 14q31.3.
Variant type: single nucleotide variant.
Coding change: c.1082+6A>C on transcript NM_018418.5 (MANE Select); 6 bases into the intron after coding-DNA position 1082, A replaced by C.
Molecular consequence: intron variant.
Genome position (GRCh38, 1-based): chr14:88,431,231, A>C. VCF-style: chr14-88431231-A-C. GRCh37 (hg19) VCF-style: chr14-88897575-A-C.
Other names: c.986+6A>C (NM_001040428.4).
Identifiers: ClinVar variation 2070855 (VCV002070855.4), dbSNP rs2076932273, ClinGen allele CA2153604012.